The following is an entry in ClinVar:

ClinVar aggregate classification (germline): Benign/Likely benign. Review status: criteria provided, multiple submitters, no conflicts (2 of 4 stars). 3 submissions from 3 submitters: Benign (2); Likely benign (1). Last evaluated 2024-09-20.

Conditions:
Familial acute necrotizing encephalopathy (IIAE3). Also called: Susceptibility to Acute Necrotizing Encephalopathy 1; ENCEPHALOPATHY, ACUTE, INFECTION-INDUCED, SUSCEPTIBILITY TO, 3. Identifiers: Orphanet 88619, MedGen C2675556, MONDO:0011953, OMIM 608033.

Allele frequency attached by ClinVar (database versions not stated): ESP Exome Variant Server 0.00015; gnomAD 0.00036 and 0.00044; gnomAD exomes 0.00048 and 0.00070; TOPMed 0.00055; ExAC 0.00081; 1000 Genomes Project 0.00120; 1000 Genomes Project 30x 0.00125.
gnomAD v4.1: 789 of 1,611,674 alleles (0.049%); highest among the groups gnomAD compares: East Asian, 0.46%; 2 homozygotes.

Submissions (3):

Blueprint Genetics
Classification: Likely benign. Last evaluated: 2024-09-20. Review status: criteria provided, single submitter. Criteria: ACMG Guidelines, 2015. Collection method: clinical testing. Allele origin: germline.

Labcorp Genetics (formerly Invitae), Labcorp
Classification: Benign for Familial acute necrotizing encephalopathy. Last evaluated: 2023-10-03. Review status: criteria provided, single submitter. Criteria: Invitae Variant Classification Sherloc (09022015). Collection method: clinical testing. Allele origin: germline.

CeGaT Center for Human Genetics Tuebingen
Classification: Benign. Last evaluated: 2023-01-01. Review status: criteria provided, single submitter. Criteria: CeGaT Center For Human Genetics Tuebingen Variant Classification Criteria Version 2. Collection method: clinical testing. Allele origin: germline. Affected: yes. Observed: 2 variant alleles.
Comment: RANBP2: BS1, BS2

NM_006267.5(RANBP2):c.2405G>A (p.Arg802Gln)

Gene: RANBP2 (RAN binding protein 2; plus strand). Cytogenetic location: 2q13.
Variant type: single nucleotide variant.
Coding change: c.2405G>A on transcript NM_006267.5 (MANE Select); coding-DNA position 2405, G replaced by A.
Protein change: p.Arg802Gln; replaces arginine 802 with glutamine.
Molecular consequence: missense variant.
Genome position (GRCh38, 1-based): chr2:108,755,198, G>A. VCF-style: chr2-108755198-G-A. GRCh37 (hg19) VCF-style: chr2-109371654-G-A.
Other names: short protein forms R802Q.
Identifiers: ClinVar variation 537231 (VCV000537231.37), dbSNP rs187011794, ClinGen allele CA1822684.